The following is an entry in ClinVar:

NM_000182.5(HADHA):c.2114T>A (p.Val705Asp)

Genes: GAREM2 (GRB2 associated regulator of MAPK1 subtype 2; plus strand), HADHA (hydroxyacyl-CoA dehydrogenase trifunctional multienzyme complex subunit alpha; minus strand). Cytogenetic location: 2p23.3.
Variant type: single nucleotide variant.
Coding change: c.2114T>A on transcript NM_000182.5 (MANE Select); coding-DNA position 2114, T replaced by A.
Protein change: p.Val705Asp; replaces valine 705 with aspartic acid.
Molecular consequence: missense variant.
Genome position (GRCh38, 1-based): chr2:26,191,515, A>T on the plus strand (T>A on the coding strand, the complement: HADHA is on the minus strand). VCF-style: chr2-26191515-A-T. GRCh37 (hg19) VCF-style: chr2-26414384-A-T.
Other names: short protein forms V705D.
Identifiers: ClinVar variation 449719 (VCV000449719.10), dbSNP rs1240187200, ClinGen allele CA346112686.

ClinVar aggregate classification (germline): Conflicting classifications of pathogenicity. Review status: criteria provided, conflicting classifications (1 of 4 stars). 5 submissions from 5 submitters: Likely pathogenic (2); Uncertain significance (1). 2 of the submissions do not count toward it. Last evaluated 2024-07-11.

Conditions:
Long chain 3-hydroxyacyl-CoA dehydrogenase deficiency. Also called: LCHAD Deficiency; Deficiency of long-chain 3-hydroxyacyl-coenzyme A dehydrogenase. Identifiers: Orphanet 5, MedGen C3711645, MONDO:0012173, OMIM 609016.

Allele frequency attached by ClinVar (database versions not stated): gnomAD exomes below 0.00001; TOPMed 0.00001; gnomAD 0.00002.
gnomAD v4.1: 4 of 1,613,984 alleles (0.00025%); highest among the groups gnomAD compares: African/African-American, 0.004%; no homozygotes.

Submissions (5):

Women's Health and Genetics/Laboratory Corporation of America, LabCorp
Classification: Uncertain significance. Last evaluated: 2024-07-11. Review status: criteria provided, single submitter. Criteria: LabCorp Variant Classification Summary - May 2015. Collection method: clinical testing. Allele origin: germline.
Comment: Variant summary: HADHA c.2114T>A (p.Val705Asp) results in a non-conservative amino acid change located in the 3-hydroxyacyl-CoA dehydrogenase, C-terminal (IPR006108) of the encoded protein sequence. Five of five in-silico tools predict a damaging effect of the variant on protein function. The variant was absent in 251208 control chromosomes. c.2114T>A has been reported in the literature in individuals affected with Mitochondrial Trifunctional Protein Deficiency (Djouadi_2016). These data indicate that the variant may be associated with disease. To our knowledge, no experimental evidence demonstrating an impact on protein function has been reported. The following publication have been ascertained in the context of this evaluation (PMID: 26109258). ClinVar contains an entry for this variant (Variation ID: 449719). Based on the evidence outlined above, the variant was classified as VUS-possibly pathogenic.

Baylor Genetics
Classification: Likely pathogenic for Long chain 3-hydroxyacyl-CoA dehydrogenase deficiency. Last evaluated: 2023-10-13. Review status: criteria provided, single submitter. Criteria: ACMG Guidelines, 2015. Collection method: clinical testing. Allele origin: unknown.

GeneDx
Classification: Likely pathogenic. Last evaluated: 2017-09-06. Review status: criteria provided, single submitter. Criteria: GeneDx Variant Classification (06012015). Collection method: clinical testing. Allele origin: germline. Affected: yes.
Comment: The V705D variant has previously been reported as homozygous in an individual with mitochondrial trifunctional protein deficiency (Djouadi et al., 2015). This individual had significantly reduced long chain fatty acid oxidation in fibroblasts (Djouadi et al., 2015). The V705D variant is not observed in large population cohorts (Lek et al., 2016; 1000 Genomes Consortium et al., 2015; Exome Variant Server). The V705D variant is a non-conservative amino acid substitution, which is likely to impact secondary protein structure as these residues differ in polarity, charge, size and/or other properties. This substitution occurs at a position that is conserved across species, and in silico analysis predicts this variant is probably damaging to the protein structure/function. In summary, this variant is likely pathogenic; however, the possibility that it is benign cannot be excluded.

Natera, Inc.
Classification: Likely pathogenic for Deficiency of long-chain 3-hydroxyacyl-coenzyme A dehydrogenase. Last evaluated: 2020-08-17. Review status: no assertion criteria provided. Collection method: clinical testing. Allele origin: germline. Not counted in ClinVar's aggregate classification.

Counsyl
Classification: Uncertain significance for Long chain 3-hydroxyacyl-CoA dehydrogenase deficiency. Last evaluated: 2018-04-11. Review status: no assertion criteria provided. Collection method: clinical testing. Allele origin: unknown. Not counted in ClinVar's aggregate classification.

Literature cited by the submitters: PubMed 26109258 (cited by Women's Health and Genetics/Laboratory Corporation of America, LabCorp and Counsyl).